The following is an entry in ClinVar:

NM_001164508.2(NEB):c.4945_4947del (p.Tyr1649del)

Gene: NEB (nebulin; minus strand). Cytogenetic location: 2q23.3.
Variant type: Deletion.
Coding change: c.4945_4947del on transcript NM_001164508.2 (MANE Select); coding-DNA positions 4945 to 4947, 3 bases deleted (TAC; older notation c.4945_4947delTAC).
Protein change: p.Tyr1649del; deletes tyrosine 1649.
Molecular consequence: inframe deletion.
Genome position (GRCh38, 1-based): chr2:151,666,174-151,666,176, GTA deleted on the plus strand (TAC on the coding strand, the reverse complement: NEB is on the minus strand); deleting any 3 consecutive bases within chr2:151,666,174-151,666,178 gives the same sequence; the c. name uses the placement nearest the transcript's 3' end. VCF-style (leftmost placement, unchanged base first): chr2-151666173-TGTA-T. GRCh37 (hg19) VCF-style: chr2-152522687-TGTA-T.
Other names: c.4945_4947delTAC (NM_001271208.1, NM_001271208.2); c.4945_4947del, p.Tyr1649del (NM_001164507.2, NM_001271208.2, NM_004543.5); short protein forms Y1649del.
Identifiers: ClinVar variation 465609 (VCV000465609.24), dbSNP rs770192528, ClinGen allele CA1910497.
Genomic context (GRCh38, chr2:151,666,173, plus strand): 5'-TCCTGGAGTGCTCCACATTCAAGGCATCGGGCAGGAGAGTGTAGTGGTGGTATGACTGTC[TGTA>T]GTTGGCGTTGGTGGCAACCTCCTGAGATTTCTTTGCAGCTGTCACACTGACCATATCCAG-3'

ClinVar aggregate classification (germline): Conflicting classifications of pathogenicity. Review status: criteria provided, conflicting classifications (1 of 4 stars). 6 submissions from 6 submitters: Uncertain significance (4); Likely benign (1). 1 of the submissions does not count toward it. Last evaluated 2026-01-31.

Conditions:
Nemaline myopathy 2 (NEM2). Also called: Nemaline myopathy 2, autosomal recessive. Identifiers: MedGen C1850569, MONDO:0009725, OMIM 256030.

Submissions (6):

Labcorp Genetics (formerly Invitae), Labcorp
Classification: Likely benign for Nemaline myopathy 2. Last evaluated: 2026-01-31. Review status: criteria provided, single submitter. Criteria: Invitae Variant Classification Sherloc (09022015). Collection method: clinical testing. Allele origin: germline.

GeneDx
Classification: Uncertain significance. Last evaluated: 2026-01-30. Review status: criteria provided, single submitter. Criteria: GeneDx Variant Classification Process June 2021. Collection method: clinical testing. Allele origin: germline. Affected: yes.
Comment: In-frame deletion of 1 amino acid(s) in a non-repeat region; In silico analysis supports a deleterious effect on protein structure/function; Has not been previously published as pathogenic or benign to our knowledge

Revvity Omics, Revvity
Classification: Uncertain significance. Last evaluated: 2024-12-17. Review status: criteria provided, single submitter. Criteria: ACMG Guidelines, 2015. Collection method: clinical testing. Allele origin: germline.

Blueprint Genetics
Classification: Uncertain significance. Last evaluated: 2024-08-20. Review status: criteria provided, single submitter. Criteria: ACMG Guidelines, 2015. Collection method: clinical testing. Allele origin: germline.

Eurofins Ntd Llc (ga)
Classification: Uncertain significance. Last evaluated: 2017-06-02. Review status: criteria provided, single submitter. Criteria: EGL Classification Definitions 2015. Collection method: clinical testing. Allele origin: germline. Observed: 1 variant allele, 1 heterozygote.

Natera, Inc.
Classification: Uncertain significance for Nemaline myopathy type 2. Last evaluated: 2020-01-17. Review status: no assertion criteria provided. Collection method: clinical testing. Allele origin: germline. Not counted in ClinVar's aggregate classification.